The following is an entry in ClinVar:

NM_182914.3(SYNE2):c.8003T>G (p.Leu2668Trp)

Gene: SYNE2 (spectrin repeat containing nuclear envelope protein 2; plus strand). Cytogenetic location: 14q23.2.
Variant type: single nucleotide variant.
Coding change: c.8003T>G on transcript NM_182914.3 (MANE Select); coding-DNA position 8003, T replaced by G.
Protein change: p.Leu2668Trp; replaces leucine 2668 with tryptophan.
Molecular consequence: missense variant.
Genome position (GRCh38, 1-based): chr14:64,051,916, T>G. VCF-style: chr14-64051916-T-G. GRCh37 (hg19) VCF-style: chr14-64518634-T-G.
Other names: c.8003T>G, p.Leu2668Trp (NM_015180.6); short protein forms L2668W.
Identifiers: ClinVar variation 313535 (VCV000313535.16), dbSNP rs143558316, ClinGen allele CA7221047.

ClinVar aggregate classification (germline): Conflicting classifications of pathogenicity. Review status: criteria provided, conflicting classifications (1 of 4 stars). 4 submissions from 4 submitters: Uncertain significance (2); Benign (1); Likely benign (1). Last evaluated 2025-12-27.

Conditions:
SYNE2-related disorder. Also called: SYNE2-related condition.
Emery-Dreifuss muscular dystrophy 5, autosomal dominant (EDMD5). Also called: EMERY-DREIFUSS MUSCULAR DYSTROPHY 5. Identifiers: Orphanet 261, MedGen C2751805, MONDO:0013072, OMIM 612999.

Allele frequency attached by ClinVar (database versions not stated): gnomAD exomes 0.00028 and 0.00100; ExAC 0.00030; 1000 Genomes Project 30x 0.00031; 1000 Genomes Project 0.00040; ESP Exome Variant Server 0.00049; gnomAD 0.00051 and 0.00056; TOPMed 0.00056.
gnomAD v4.1: 1,512 of 1,613,896 alleles (0.094%); highest among the groups gnomAD compares: Non-Finnish European, 0.12%; 1 homozygote.

Submissions (4):

PreventionGenetics, part of Exact Sciences
Classification: Likely benign for SYNE2-related condition. Last evaluated: 2025-12-27. Review status: criteria provided, single submitter. Criteria: ACMG Guidelines, 2015. Collection method: clinical testing. Allele origin: germline.
Comment: This variant is classified as likely benign based on ACMG/AMP sequence variant interpretation guidelines (Richards et al. 2015 PMID: 25741868, with internal and published modifications).

Labcorp Genetics (formerly Invitae), Labcorp
Classification: Uncertain significance for Emery-Dreifuss muscular dystrophy 5, autosomal dominant. Last evaluated: 2025-09-02. Review status: criteria provided, single submitter. Criteria: Invitae Variant Classification Sherloc (09022015). Collection method: clinical testing. Allele origin: germline.
Comment: This sequence change replaces leucine, which is neutral and non-polar, with tryptophan, which is neutral and slightly polar, at codon 2668 of the SYNE2 protein (p.Leu2668Trp). This variant is present in population databases (rs143558316, gnomAD 0.06%), and has an allele count higher than expected for a pathogenic variant. This variant has not been reported in the literature in individuals affected with SYNE2-related conditions. ClinVar contains an entry for this variant (Variation ID: 313535). An algorithm developed to predict the effect of missense changes on protein structure and function (PolyPhen-2) suggests that this variant is likely to be disruptive. In summary, the available evidence is currently insufficient to determine the role of this variant in disease. Therefore, it has been classified as a Variant of Uncertain Significance.

Ambry Genetics
Classification: Uncertain significance. Last evaluated: 2024-05-15. Review status: criteria provided, single submitter. Criteria: Ambry Variant Classification Scheme 2023. Collection method: clinical testing. Allele origin: germline.

Illumina Laboratory Services, Illumina
Classification: Benign for Emery-Dreifuss muscular dystrophy 5, autosomal dominant. Last evaluated: 2018-01-12. Review status: criteria provided, single submitter. Criteria: ICSL Variant Classification Criteria 13 December 2019. Collection method: clinical testing. Allele origin: germline.
Comment: This variant was observed in the ICSL laboratory as part of a predisposition screen in an ostensibly healthy population. It had not been previously curated by ICSL or reported in the Human Gene Mutation Database (HGMD: prior to June 1st, 2018), and was therefore a candidate for classification through an automated scoring system. Utilizing variant allele frequency, disease prevalence and penetrance estimates, and inheritance mode, an automated score was calculated to assess if this variant is too frequent to cause the disease. Based on the score and internal cut-off values, a variant classified as benign is not then subjected to further curation. The score for this variant resulted in a classification of benign for this disease.